The following is an entry in ClinVar:

NM_000287.4(PEX6):c.1351C>G (p.Pro451Ala)

Gene: PEX6 (peroxisomal biogenesis factor 6; minus strand). Cytogenetic location: 6p21.1.
Variant type: single nucleotide variant.
Coding change: c.1351C>G on transcript NM_000287.4 (MANE Select); coding-DNA position 1351, C replaced by G.
Protein change: p.Pro451Ala; replaces proline 451 with alanine.
Molecular consequence: missense variant. On other transcripts: non-coding transcript variant (1).
Genome position (GRCh38, 1-based): chr6:42,969,684, G>C on the plus strand (C>G on the coding strand, the complement: PEX6 is on the minus strand). VCF-style: chr6-42969684-G-C. GRCh37 (hg19) VCF-style: chr6-42937422-G-C.
Other names: c.1087C>G, p.Pro363Ala (NM_001316313.2); short protein forms P363A, P451A.
Identifiers: ClinVar variation 4747676 (VCV004747676.1).

ClinVar aggregate classification (germline): Uncertain significance (1 of 4 stars; one submission).

Conditions:
Peroxisome biogenesis disorder. Identifiers: Orphanet 79189, MedGen C1832200, MONDO:0019234. Disease mechanism: loss of function.

gnomAD v4.1: 3 of 1,612,736 alleles (0.00019%); highest among the groups gnomAD compares: Non-Finnish European, 0.00025%; no homozygotes.

Submission:

Labcorp Genetics (formerly Invitae), Labcorp
Classification: Uncertain significance for Peroxisome biogenesis disorder. Last evaluated: 2025-03-17. Review status: criteria provided, single submitter. Criteria: Invitae Variant Classification Sherloc (09022015). Collection method: clinical testing. Allele origin: germline.
Comment: This sequence change replaces proline, which is neutral and non-polar, with alanine, which is neutral and non-polar, at codon 451 of the PEX6 protein (p.Pro451Ala). This variant is present in population databases (rs369661341, gnomAD 0.0009%). This variant has not been reported in the literature in individuals affected with PEX6-related conditions. Invitae Evidence Modeling of protein sequence and biophysical properties (such as structural, functional, and spatial information, amino acid conservation, physicochemical variation, residue mobility, and thermodynamic stability) indicates that this missense variant is not expected to disrupt PEX6 protein function with a negative predictive value of 80%. In summary, the available evidence is currently insufficient to determine the role of this variant in disease. Therefore, it has been classified as a Variant of Uncertain Significance.